The following is an entry in ClinVar:

NM_000051.4(ATM):c.2466+5G>A

Gene: ATM (ATM serine/threonine kinase; plus strand). Cytogenetic location: 11q22.3.
Variant type: single nucleotide variant.
Coding change: c.2466+5G>A on transcript NM_000051.4 (MANE Select); 5 bases into the intron after coding-DNA position 2466, G replaced by A.
Molecular consequence: intron variant.
Genome position (GRCh38, 1-based): chr11:108,259,080, G>A. VCF-style: chr11-108259080-G-A. GRCh37 (hg19) VCF-style: chr11-108129807-G-A.
Other names: c.2466+5G>A (NM_001351834.2).
Identifiers: ClinVar variation 841974 (VCV000841974.11), dbSNP rs1064795969, ClinGen allele CA916080479.

ClinVar aggregate classification (germline): Conflicting classifications of pathogenicity. Review status: criteria provided, conflicting classifications (1 of 4 stars). 2 submissions from 2 submitters: Likely pathogenic (1); Uncertain significance (1). Last evaluated 2026-02-18.

Conditions:
Hereditary cancer-predisposing syndrome. Also called: Hereditary Cancer Syndrome; Tumor predisposition; Neoplastic Syndromes, Hereditary; Hereditary neoplastic syndrome. Identifiers: Orphanet 140162, MedGen C0027672, MeSH D009386, MONDO:0015356.
Ataxia-telangiectasia syndrome (AT). Also called: LOUIS-BAR SYNDROME; Ataxia telangiectasia (A-T); AT, COMPLEMENTATION GROUP C; Ataxia-telangiectasia, complementation group E; Cerebello-oculocutaneous telangiectasia; Immunodeficiency with ataxia telangiectasia. Identifiers: Orphanet 100, MedGen C0004135, MONDO:0008840, OMIM 208900.

Submissions (2):

Ambry Genetics
Classification: Likely pathogenic for Hereditary cancer-predisposing syndrome. Last evaluated: 2026-02-18. Review status: criteria provided, single submitter. Criteria: Ambry Variant Classification Scheme 2023. Collection method: clinical testing. Allele origin: germline.
Comment: The c.2466+5G>A intronic variant results from a G to A substitution 5 nucleotides after coding exon 15 in the ATM gene. An alteration impacting the same donor site (c.2466+1delG) has been detected in trans with a second ATM alteration in an individual diagnosed with ataxia telangiectasia (A-T) (Cavalieri S et al. Ann Hum Genet, 2008 Jan;72:10-8). In addition, a different alteration at this nucleotide (c.2466+5G>C) was reported in an individual diagnosed with A-T (Villagaray-Pacheco et al. Ro J Neurol, 2021;20-2). This nucleotide position is highly conserved in available vertebrate species. In silico splice site analysis predicts that this alteration will weaken the native splice donor site. RNA studies have demonstrated that this alteration results in abnormal splicing in the set of samples tested (Ambry internal data). This variant is considered to be rare based on population cohorts in the Genome Aggregation Database (gnomAD). Based on the majority of available evidence to date, this variant is likely to be pathogenic.

Labcorp Genetics (formerly Invitae), Labcorp
Classification: Uncertain significance for Ataxia-telangiectasia syndrome. Last evaluated: 2025-09-12. Review status: criteria provided, single submitter. Criteria: Invitae Variant Classification Sherloc (09022015). Collection method: clinical testing. Allele origin: germline.
Comment: This sequence change falls in intron 16 of the ATM gene. It does not directly change the encoded amino acid sequence of the ATM protein. It affects a nucleotide within the consensus splice site. This variant is not present in population databases (gnomAD no frequency). This variant has not been reported in the literature in individuals affected with ATM-related conditions. ClinVar contains an entry for this variant (Variation ID: 841974). Variants that disrupt the consensus splice site are a relatively common cause of aberrant splicing (PMID: 17576681, 9536098). Algorithms developed to predict the effect of sequence changes on RNA splicing suggest that this variant may disrupt the consensus splice site. In summary, the available evidence is currently insufficient to determine the role of this variant in disease. Therefore, it has been classified as a Variant of Uncertain Significance.

Literature cited by the submitters: PubMed 17910737 (cited by Ambry Genetics); PubMed 17576681 (cited by Labcorp Genetics (formerly Invitae), Labcorp); PubMed 9536098 (cited by Labcorp Genetics (formerly Invitae), Labcorp).